The following is an entry in ClinVar:

ClinVar aggregate classification (germline): Pathogenic. Review status: criteria provided, multiple submitters, no conflicts (2 of 4 stars). 3 submissions from 3 submitters: Pathogenic (3). Last evaluated 2026-10-23.

Conditions:
Developmental and epileptic encephalopathy 94 (DEE94). Also called: Epileptic encephalopathy, childhood-onset; CHD2-Related Neurodevelopmental Disorders. Identifiers: Orphanet 1942, Orphanet 2382, MedGen C3809278, MONDO:0014150, OMIM 615369.

gnomAD v4.1: 1 of 1,612,768 alleles (0.000062%); highest among the groups gnomAD compares: Non-Finnish European, 0.000085%; no homozygotes.

Submissions (3):

GeneDx
Classification: Pathogenic. Last evaluated: 2026-10-23. Review status: criteria provided, single submitter. Criteria: GeneDx Variant Classification Process June 2021. Collection method: clinical testing. Allele origin: germline.
Comment: Identified in patients with epilepsy in published literature; however, proband specific clinical information was not provided (PMID: 31440721); Nonsense variant predicted to result in protein truncation or nonsense mediated decay in a gene for which loss of function is a known mechanism of disease; Not observed at significant frequency in large population cohorts (gnomAD); This variant is associated with the following publications: (PMID: 34926809, 31440721)

Clinical Genomics Laboratory, Washington University in St. Louis
Classification: Pathogenic for Developmental and epileptic encephalopathy 94. Last evaluated: 2023-09-08. Review status: criteria provided, single submitter. Criteria: ACMG Guidelines, 2015. Collection method: clinical testing. Allele origin: germline. Affected: yes.
Comment: The CHD2 c.2425C>T (p.Arg809Ter) variant, to our knowledge, has not been reported in the medical literature in an individual with developmental and epileptic encephalopathy but has been reported in the ClinVar database as a germline pathogenic variant by two submitters. This variant is absent from the general population (gnomAD v.2.1.1), indicating it is not a common variant. This variant causes a premature termination codon, which is predicted to lead to nonsense mediated decay. Additionally, several other variants that introduce premature termination codons occur downstream of this variant and are considered pathogenic (Chen J et al., PMID: 31677157). Based on available information and the ACMG/AMP guidelines for variant interpretation (Richards S et al., PMID: 25741868), this variant is classified as pathogenic.

Labcorp Genetics (formerly Invitae), Labcorp
Classification: Pathogenic for Developmental and epileptic encephalopathy 94. Last evaluated: 2023-04-26. Review status: criteria provided, single submitter. Criteria: Invitae Variant Classification Sherloc (09022015). Collection method: clinical testing. Allele origin: germline.
Comment: For these reasons, this variant has been classified as Pathogenic. Algorithms developed to predict the effect of sequence changes on RNA splicing suggest that this variant may disrupt the consensus splice site. ClinVar contains an entry for this variant (Variation ID: 489275). This variant has not been reported in the literature in individuals affected with CHD2-related conditions. This variant is not present in population databases (gnomAD no frequency). This sequence change creates a premature translational stop signal (p.Arg809*) in the CHD2 gene. It is expected to result in an absent or disrupted protein product. Loss-of-function variants in CHD2 are known to be pathogenic (PMID: 23708187, 24207121).

Literature cited by the submitters: PubMed 23708187 (cited by Labcorp Genetics (formerly Invitae), Labcorp); PubMed 24207121 (cited by Labcorp Genetics (formerly Invitae), Labcorp).

NM_001271.4(CHD2):c.2425C>T (p.Arg809Ter)

Gene: CHD2 (chromodomain helicase DNA binding protein 2; plus strand). Cytogenetic location: 15q26.1.
Variant type: single nucleotide variant.
Coding change: c.2425C>T on transcript NM_001271.4 (MANE Select); coding-DNA position 2425, C replaced by T.
Protein change: p.Arg809Ter; replaces arginine 809 with a stop codon.
Molecular consequence: nonsense.
Genome position (GRCh38, 1-based): chr15:92,972,337, C>T. VCF-style: chr15-92972337-C-T. GRCh37 (hg19) VCF-style: chr15-93515567-C-T.
Other names: short protein forms R809*.
Identifiers: ClinVar variation 489275 (VCV000489275.12), dbSNP rs146691368, ClinGen allele CA393893273.